The following is an entry in ClinVar:

ClinVar aggregate classification (germline): Uncertain significance. Review status: criteria provided, multiple submitters, no conflicts (2 of 4 stars). 2 submissions from 2 submitters: Uncertain significance (2). Last evaluated 2026-05-04.

Allele frequency attached by ClinVar (database versions not stated): TOPMed below 0.00001; gnomAD 0.00001; ExAC 0.00002; gnomAD exomes 0.00001.
gnomAD v4.1: 17 of 1,613,172 alleles (0.0011%); highest among the groups gnomAD compares: East Asian, 0.0022%; no homozygotes.

Submissions (2):

Women's Health and Genetics/Laboratory Corporation of America, LabCorp
Classification: Uncertain significance. Last evaluated: 2026-05-04. Review status: criteria provided, single submitter. Criteria: LabCorp Variant Classification Summary - May 2015. Collection method: clinical testing. Allele origin: germline.
Comment: Variant summary: VWF c.5474T>C (p.Ile1825Thr) results in a non-conservative amino acid change in the encoded protein sequence. Algorithms developed to predict the effect of missense changes on protein structure and function all suggest that this variant is likely to be disruptive. The variant allele was found at a frequency of 8e-06 in 251204 control chromosomes. The available data on variant occurrences in the general population are insufficient to allow any conclusion about variant significance. To our knowledge, no occurrence of c.5474T>C in individuals affected with VWF-related conditions and no experimental evidence demonstrating its impact on protein function have been reported. ClinVar contains an entry for this variant (Variation ID: 2412828). Based on the evidence outlined above, the variant was classified as uncertain significance.

GeneDx
Classification: Uncertain significance. Last evaluated: 2023-01-25. Review status: criteria provided, single submitter. Criteria: GeneDx Variant Classification Process June 2021. Collection method: clinical testing. Allele origin: germline. Affected: yes.
Comment: Has not been previously published as pathogenic or benign to our knowledge; In silico analysis supports that this missense variant does not alter protein structure/function

NM_000552.5(VWF):c.5474T>C (p.Ile1825Thr)

Gene: VWF (von Willebrand factor; minus strand). Cytogenetic location: 12p13.31.
Variant type: single nucleotide variant.
Coding change: c.5474T>C on transcript NM_000552.5 (MANE Select); coding-DNA position 5474, T replaced by C.
Protein change: p.Ile1825Thr; replaces isoleucine 1825 with threonine.
Molecular consequence: missense variant.
Genome position (GRCh38, 1-based): chr12:6,013,627, A>G on the plus strand (T>C on the coding strand, the complement: VWF is on the minus strand). VCF-style: chr12-6013627-A-G. GRCh37 (hg19) VCF-style: chr12-6122793-A-G.
Other names: short protein forms I1825T.
Identifiers: ClinVar variation 2412828 (VCV002412828.3), dbSNP rs766877030, ClinGen allele CA6402254.